The following is an entry in ClinVar:

NM_144670.6(A2ML1):c.3965C>A (p.Thr1322Lys)

Gene: A2ML1 (alpha-2-macroglobulin like 1; plus strand). Cytogenetic location: 12p13.31.
Variant type: single nucleotide variant.
Coding change: c.3965C>A on transcript NM_144670.6 (MANE Select); coding-DNA position 3965, C replaced by A.
Protein change: p.Thr1322Lys; replaces threonine 1322 with lysine.
Molecular consequence: missense variant.
Genome position (GRCh38, 1-based): chr12:8,868,261, C>A. VCF-style: chr12-8868261-C-A. GRCh37 (hg19) VCF-style: chr12-9020857-C-A.
Other names: c.2492C>A, p.Thr831Lys (NM_001282424.3); c.3965C>A (NM_144670.5); short protein forms T1322K, T831K.
Identifiers: ClinVar variation 1085706 (VCV001085706.14), dbSNP rs768728955, ClinGen allele CA6436540.

ClinVar aggregate classification (germline): Likely benign. Review status: criteria provided, multiple submitters, no conflicts (2 of 4 stars). 3 submissions from 3 submitters: Likely benign (2). 1 of the submissions does not count toward it. Last evaluated 2025-08-07.

Conditions:
A2ML1-related disorder. Also called: A2ML1-related condition.

Allele frequency attached by ClinVar (database versions not stated): TOPMed 0.00003; gnomAD 0.00004 and 0.00009; 1000 Genomes Project 30x 0.00016; 1000 Genomes Project 0.00020.
gnomAD v4.1: 358 of 1,613,828 alleles (0.022%); highest among the groups gnomAD compares: South Asian, 0.31%; 3 homozygotes.

Submissions (3):

Ambry Genetics
Classification: Likely benign. Last evaluated: 2025-08-07. Review status: criteria provided, single submitter. Criteria: Ambry Variant Classification Scheme 2023. Collection method: clinical testing. Allele origin: germline.

Labcorp Genetics (formerly Invitae), Labcorp
Classification: Likely benign. Last evaluated: 2025-07-09. Review status: criteria provided, single submitter. Criteria: Invitae Variant Classification Sherloc (09022015). Collection method: clinical testing. Allele origin: germline.

PreventionGenetics, part of Exact Sciences
Classification: Likely benign for A2ML1-related condition. Last evaluated: 2019-06-04. Review status: no assertion criteria provided. Collection method: clinical testing. Allele origin: germline. Not counted in ClinVar's aggregate classification.
Comment: This variant is classified as likely benign based on ACMG/AMP sequence variant interpretation guidelines (Richards et al. 2015 PMID: 25741868, with internal and published modifications).